The following is an entry in ClinVar:

ClinVar aggregate classification (germline): Uncertain significance. Review status: criteria provided, multiple submitters, no conflicts (2 of 4 stars). 2 submissions from 2 submitters: Uncertain significance (2). Last evaluated 2024-05-29.

Conditions:
Cone-rod dystrophy 13 (CORD13). Identifiers: Orphanet 1872, MedGen C2750720, MONDO:0011987, OMIM 608194.
Leber congenital amaurosis 6 (LCA6). Identifiers: Orphanet 65, MedGen C1854260, MONDO:0013446, OMIM 613826.

Allele frequency attached by ClinVar (database versions not stated): gnomAD exomes 0.00001; ExAC 0.00002; TOPMed 0.00002; gnomAD 0.00003 and 0.00004; ESP Exome Variant Server 0.00008.
gnomAD v4.1: 5 of 1,613,906 alleles (0.00031%); highest among the groups gnomAD compares: African/African-American, 0.0067%; no homozygotes.

Submissions (2):

Labcorp Genetics (formerly Invitae), Labcorp
Classification: Uncertain significance for Leber congenital amaurosis 6; Cone-rod dystrophy 13. Last evaluated: 2024-05-29. Review status: criteria provided, single submitter. Criteria: Invitae Variant Classification Sherloc (09022015). Collection method: clinical testing. Allele origin: germline.
Comment: This sequence change replaces glutamine, which is neutral and polar, with lysine, which is basic and polar, at codon 695 of the RPGRIP1 protein (p.Gln695Lys). This variant is present in population databases (rs377020451, gnomAD 0.01%). This variant has not been reported in the literature in individuals affected with RPGRIP1-related conditions. ClinVar contains an entry for this variant (Variation ID: 1058868). Advanced modeling of protein sequence and biophysical properties (such as structural, functional, and spatial information, amino acid conservation, physicochemical variation, residue mobility, and thermodynamic stability) performed at Invitae indicates that this missense variant is expected to disrupt RPGRIP1 protein function with a positive predictive value of 80%. In summary, the available evidence is currently insufficient to determine the role of this variant in disease. Therefore, it has been classified as a Variant of Uncertain Significance.

Blueprint Genetics
Classification: Uncertain significance. Last evaluated: 2022-11-07. Review status: criteria provided, single submitter. Criteria: ACMG Guidelines, 2015. Collection method: clinical testing. Allele origin: germline.

NM_020366.4(RPGRIP1):c.2083C>A (p.Gln695Lys)

Gene: RPGRIP1 (RPGR interacting protein 1; plus strand). Cytogenetic location: 14q11.2.
Variant type: single nucleotide variant.
Coding change: c.2083C>A on transcript NM_020366.4 (MANE Select); coding-DNA position 2083, C replaced by A.
Protein change: p.Gln695Lys; replaces glutamine 695 with lysine.
Molecular consequence: missense variant. On other transcripts: intron variant (4).
Genome position (GRCh38, 1-based): chr14:21,324,938, C>A. VCF-style: chr14-21324938-C-A. GRCh37 (hg19) VCF-style: chr14-21793097-C-A.
Other names: c.1009C>A, p.Gln337Lys (NM_001377948.1); c.796+213C>A (NM_001377949.1); c.689-2685C>A (NM_001377523.1, NM_001377950.1); c.191-2685C>A (NM_001377951.1); short protein forms Q337K, Q695K.
Identifiers: ClinVar variation 1058868 (VCV001058868.10), dbSNP rs377020451, ClinGen allele CA7089148.